The following is an entry in ClinVar:

ClinVar aggregate classification (germline): Uncertain significance (1 of 4 stars; one submission).

Conditions:
Werner syndrome (WRN). Identifiers: Orphanet 902, MedGen C0043119, MONDO:0010196, OMIM 277700.

Allele frequency attached by ClinVar (database versions not stated): TOPMed below 0.00001; ESP Exome Variant Server 0.00008.
gnomAD v4.1: 1 of 1,614,044 alleles (0.000062%); highest among the groups gnomAD compares: Non-Finnish European, 0.000085%; no homozygotes.

Submission:

Labcorp Genetics (formerly Invitae), Labcorp
Classification: Uncertain significance for Werner syndrome. Last evaluated: 2025-08-11. Review status: criteria provided, single submitter. Criteria: Invitae Variant Classification Sherloc (09022015). Collection method: clinical testing. Allele origin: germline.
Comment: This sequence change replaces proline, which is neutral and non-polar, with alanine, which is neutral and non-polar, at codon 1214 of the WRN protein (p.Pro1214Ala). This variant is not present in population databases (gnomAD no frequency). This variant has not been reported in the literature in individuals affected with WRN-related conditions. ClinVar contains an entry for this variant (Variation ID: 1001656). An algorithm developed to predict the effect of missense changes on protein structure and function (PolyPhen-2) suggests that this variant is likely to be disruptive. In summary, the available evidence is currently insufficient to determine the role of this variant in disease. Therefore, it has been classified as a Variant of Uncertain Significance.

NM_000553.6(WRN):c.3640C>G (p.Pro1214Ala)

Gene: WRN (WRN RecQ like helicase; plus strand). Cytogenetic location: 8p12.
Variant type: single nucleotide variant.
Coding change: c.3640C>G on transcript NM_000553.6 (MANE Select); coding-DNA position 3640, C replaced by G.
Protein change: p.Pro1214Ala; replaces proline 1214 with alanine.
Molecular consequence: missense variant.
Genome position (GRCh38, 1-based): chr8:31,150,408, C>G. VCF-style: chr8-31150408-C-G. GRCh37 (hg19) VCF-style: chr8-31007924-C-G.
Other names: short protein forms P1214A.
Identifiers: ClinVar variation 1001656 (VCV001001656.3), dbSNP rs371980000, ClinGen allele CA174908129.